The following is an entry in ClinVar:

ClinVar aggregate classification (germline): Uncertain significance (1 of 4 stars; one submission).

Conditions:
DICER1-related tumor predisposition. Also called: DICER1-related pleuropulmonary blastoma cancer predisposition syndrome; DICER1 syndrome. Identifiers: Orphanet 284343, MedGen C3839822, MONDO:0100216.

Submission:

Labcorp Genetics (formerly Invitae), Labcorp
Classification: Uncertain significance for DICER1-related tumor predisposition. Last evaluated: 2025-11-13. Review status: criteria provided, single submitter. Criteria: Invitae Variant Classification Sherloc (09022015). Collection method: clinical testing. Allele origin: germline.
Comment: This sequence change replaces proline, which is neutral and non-polar, with alanine, which is neutral and non-polar, at codon 869 of the DICER1 protein (p.Pro869Ala). This variant is not present in population databases (gnomAD no frequency). This variant has not been reported in the literature in individuals affected with DICER1-related conditions. Invitae Evidence Modeling of protein sequence and biophysical properties (such as structural, functional, and spatial information, amino acid conservation, physicochemical variation, residue mobility, and thermodynamic stability) has been performed for this missense variant. However, the output from this modeling did not meet the statistical confidence thresholds required to predict the impact of this variant on DICER1 protein function. In summary, the available evidence is currently insufficient to determine the role of this variant in disease. Therefore, it has been classified as a Variant of Uncertain Significance.

NM_177438.3(DICER1):c.2605C>G (p.Pro869Ala)

Gene: DICER1 (dicer 1, ribonuclease III; minus strand). Cytogenetic location: 14q32.13.
Variant type: single nucleotide variant.
Coding change: c.2605C>G on transcript NM_177438.3 (MANE Select); coding-DNA position 2605, C replaced by G.
Protein change: p.Pro869Ala; replaces proline 869 with alanine.
Molecular consequence: missense variant. On other transcripts: non-coding transcript variant (6).
Genome position (GRCh38, 1-based): chr14:95,107,925, G>C on the plus strand (C>G on the coding strand, the complement: DICER1 is on the minus strand). VCF-style: chr14-95107925-G-C. GRCh37 (hg19) VCF-style: chr14-95574262-G-C.
Other names: c.2605C>G, p.Pro869Ala (NM_001195573.1, NM_001271282.3, NM_001291628.2 and 12 more transcripts); c.2323C>G, p.Pro775Ala (NM_001395686.1); c.2200C>G, p.Pro734Ala (NM_001395687.1, NM_001395688.1, NM_001395689.1 and 2 more transcripts); c.2038C>G, p.Pro680Ala (NM_001395691.1); c.922C>G, p.Pro308Ala (NM_001395697.1); short protein forms P680A, P308A, P869A, P734A, P775A.
Identifiers: ClinVar variation 4746811 (VCV004746811.1).
Genomic context (GRCh38, chr14:95,107,925, plus strand): 5'-AGATTTTTTTCTTACCAACATTAAGAGGTAGAACACAGTATGCTGAATCAGCGTCTGTAG[G>C]TTTAAATTCTAGTGCAGGTTTTTCAAGCCGAAGAATATGTGAGAATATATACTGGTGAAG-3'
Protein context (NP_803187.1, residues 859-879): RLEKPALEFK[Pro869Ala]TDADSAYCVL